The following is an entry in ClinVar:

NM_000154.2(GALK1):c.364del (p.Leu122fs)

Gene: GALK1 (galactokinase 1; minus strand). Cytogenetic location: 17q25.1.
Variant type: Deletion.
Coding change: c.364del on transcript NM_000154.2 (MANE Select); coding-DNA position 364, one base deleted (C; older notation c.364delC).
Protein change: p.Leu122fs; shifts the reading frame from leucine 122.
Molecular consequence: frameshift variant.
Genome position (GRCh38, 1-based): chr17:75,763,431, G deleted on the plus strand (C on the coding strand, the reverse complement: GALK1 is on the minus strand); the first of 6 consecutive G bases (chr17:75,763,431-75,763,436); deleting any one gives the same sequence. VCF-style (leftmost placement, unchanged base first): chr17-75763430-AG-A. GRCh37 (hg19) VCF-style: chr17-73759511-AG-A.
Other names: c.364del (NM_000154.1); c.364del, p.Leu122fs (NM_001381985.1); short protein forms L122fs.
Identifiers: ClinVar variation 1458950 (VCV001458950.10), dbSNP rs2061596711, ClinGen allele CA2275671089.

ClinVar aggregate classification (germline): Pathogenic/Likely pathogenic. Review status: criteria provided, multiple submitters, no conflicts (2 of 4 stars). 4 submissions from 4 submitters: Pathogenic (1); Likely pathogenic (3). Last evaluated 2025-03-09.

Conditions:
Deficiency of galactokinase. Also called: Galactokinase deficiency with cataracts; GALACTOSEMIA II. Identifiers: Orphanet 352, Orphanet 79237, MedGen C0268155, MONDO:0009255, OMIM 230200.

Submissions (4):

Natera, Inc.
Classification: Likely pathogenic for Deficiency of galactokinase. Last evaluated: 2025-03-09. Review status: criteria provided, single submitter. Criteria: Natera Variant Classification Schema (03/2026). Collection method: clinical testing. Allele origin: germline.
Comment: The c.364del variant in GALK1 is a frameshift variant predicted to shift the reading frame beginning at codon 122 and leads to a stop codon 42 codons downstream. This variant is expected to result in nonsense mediated decay, truncation, or a dysfunctional protein product. This variant is rare in the general population with a frequency below the threshold expected for the associated phenotype(s). Given the available evidence, this variant is classified as Likely Pathogenic.

Labcorp Genetics (formerly Invitae), Labcorp
Classification: Pathogenic for Deficiency of galactokinase. Last evaluated: 2023-06-07. Review status: criteria provided, single submitter. Criteria: Invitae Variant Classification Sherloc (09022015). Collection method: clinical testing. Allele origin: germline.
Comment: For these reasons, this variant has been classified as Pathogenic. ClinVar contains an entry for this variant (Variation ID: 1458950). This variant has not been reported in the literature in individuals affected with GALK1-related conditions. This variant is not present in population databases (gnomAD no frequency). This sequence change creates a premature translational stop signal (p.Leu122Serfs*42) in the GALK1 gene. It is expected to result in an absent or disrupted protein product. Loss-of-function variants in GALK1 are known to be pathogenic (PMID: 7670469, 10790206).

Baylor Genetics
Classification: Likely pathogenic for Deficiency of galactokinase. Last evaluated: 2023-03-04. Review status: criteria provided, single submitter. Criteria: ACMG Guidelines, 2015. Collection method: clinical testing. Allele origin: unknown.

Fulgent Genetics
Classification: Likely pathogenic for Deficiency of galactokinase. Last evaluated: 2021-07-10. Review status: criteria provided, single submitter. Criteria: ACMG Guidelines, 2015. Collection method: clinical testing. Allele origin: unknown.

Literature cited by the submitters: PubMed 7670469 (cited by Labcorp Genetics (formerly Invitae), Labcorp); PubMed 10790206 (cited by Labcorp Genetics (formerly Invitae), Labcorp).